The following is an entry in ClinVar:

NM_001206998.2(ZNRF3):c.956G>A (p.Cys319Tyr)

Gene: ZNRF3 (zinc and ring finger 3; plus strand). Cytogenetic location: 22q12.1.
Variant type: single nucleotide variant.
Coding change: c.956G>A on transcript NM_001206998.2 (MANE Select); coding-DNA position 956, G replaced by A.
Protein change: p.Cys319Tyr; replaces cysteine 319 with tyrosine.
Molecular consequence: missense variant.
Genome position (GRCh38, 1-based): chr22:29,048,432, G>A. VCF-style: chr22-29048432-G-A. GRCh37 (hg19) VCF-style: chr22-29444420-G-A.
Other names: c.656G>A, p.Cys219Tyr (NM_032173.4); short protein forms C219Y, C319Y.
Identifiers: ClinVar variation 3238964 (VCV003238964.1), dbSNP rs2517591470.

ClinVar aggregate classification (germline): Pathogenic (1 of 4 stars; one submission).

Conditions:
ZNRF3-related disorder.

Submission:

Institute of Medical Genetics, University of Zurich
Classification: Pathogenic for ZNRF3-related disorder. Last evaluated: 2024-05-29. Review status: criteria provided, single submitter. Criteria: ACMG Guidelines, 2015. Collection method: research. Allele origin: germline. Affected: yes.
Comment: ACMG criteria applied: PS3 (Well-established in vitro or in vivo functional studies supportive of a damaging effect on the gene or gene product), PM1 (Located in a mutational hot spot and/or critical and well-established functional domain), PM6 (assumed de novo), PM2 (absent from controls), PP3 (in silico programs predict a deleterious effect)